The following is an entry in ClinVar:

ClinVar aggregate classification (germline): Uncertain significance (1 of 4 stars; one submission).

Submission:

Labcorp Genetics (formerly Invitae), Labcorp
Classification: Uncertain significance. Last evaluated: 2023-04-30. Review status: criteria provided, single submitter. Criteria: Invitae Variant Classification Sherloc (09022015). Collection method: clinical testing. Allele origin: germline.
Comment: In summary, the available evidence is currently insufficient to determine the role of this variant in disease. Therefore, it has been classified as a Variant of Uncertain Significance. Advanced modeling of protein sequence and biophysical properties (such as structural, functional, and spatial information, amino acid conservation, physicochemical variation, residue mobility, and thermodynamic stability) performed at Invitae indicates that this missense variant is expected to disrupt IMPG2 protein function. This variant has not been reported in the literature in individuals affected with IMPG2-related conditions. This variant is not present in population databases (gnomAD no frequency). This sequence change replaces proline, which is neutral and non-polar, with threonine, which is neutral and polar, at codon 937 of the IMPG2 protein (p.Pro937Thr).

NM_016247.4(IMPG2):c.2809C>A (p.Pro937Thr)

Gene: IMPG2 (interphotoreceptor matrix proteoglycan 2; minus strand). Cytogenetic location: 3q12.3.
Variant type: single nucleotide variant.
Coding change: c.2809C>A on transcript NM_016247.4 (MANE Select); coding-DNA position 2809, C replaced by A.
Protein change: p.Pro937Thr; replaces proline 937 with threonine.
Molecular consequence: missense variant.
Genome position (GRCh38, 1-based): chr3:101,242,901, G>T on the plus strand (C>A on the coding strand, the complement: IMPG2 is on the minus strand). VCF-style: chr3-101242901-G-T. GRCh37 (hg19) VCF-style: chr3-100961745-G-T.
Other names: short protein forms P937T.
Identifiers: ClinVar variation 2860836 (VCV002860836.3), dbSNP rs745967998, ClinGen allele CA353854220.